The following is an entry in ClinVar:

ClinVar aggregate classification (germline): Uncertain significance (1 of 4 stars; one submission).

Conditions:
Long QT syndrome (LQTS). Identifiers: MedGen C0023976, MeSH D008133, MONDO:0002442. Disease mechanism: loss of function. Inheritance: Various modes of inheritance.

gnomAD v4.1: 12 of 1,613,764 alleles (0.00074%); highest among the groups gnomAD compares: Non-Finnish European, 0.00093%; no homozygotes.

Submission:

Labcorp Genetics (formerly Invitae), Labcorp
Classification: Uncertain significance for Long QT syndrome. Last evaluated: 2020-11-07. Review status: criteria provided, single submitter. Criteria: Invitae Variant Classification Sherloc (09022015). Collection method: clinical testing. Allele origin: germline.
Comment: In summary, the available evidence is currently insufficient to determine the role of this variant in disease. Therefore, it has been classified as a Variant of Uncertain Significance. Algorithms developed to predict the effect of missense changes on protein structure and function do not agree on the potential impact of this missense change (SIFT: "Tolerated"; PolyPhen-2: "Probably Damaging"; Align-GVGD: "Class C0"). This variant has not been reported in the literature in individuals with ANK2-related disease. This variant is present in population databases (rs764532145, ExAC 0.001%). This sequence change replaces valine with isoleucine at codon 1383 of the ANK2 protein (p.Val1383Ile). The valine residue is moderately conserved and there is a small physicochemical difference between valine and isoleucine.

NM_001148.6(ANK2):c.4147G>A (p.Val1383Ile)

Gene: ANK2 (ankyrin 2; plus strand). Cytogenetic location: 4q26.
Variant type: single nucleotide variant.
Coding change: c.4147G>A on transcript NM_001148.6 (MANE Select); coding-DNA position 4147, G replaced by A.
Protein change: p.Val1383Ile; replaces valine 1383 with isoleucine.
Molecular consequence: missense variant.
Genome position (GRCh38, 1-based): chr4:113,343,041, G>A. VCF-style: chr4-113343041-G-A. GRCh37 (hg19) VCF-style: chr4-114264197-G-A.
Other names: c.4120G>A, p.Val1374Ile (NM_001127493.3); c.4159G>A, p.Val1387Ile (NM_001354225.2); c.4048G>A, p.Val1350Ile (NM_001354228.2, NM_001354258.2); c.4126G>A, p.Val1376Ile (NM_001354230.2); c.4189G>A, p.Val1397Ile (NM_001354231.2, NM_001354242.2); c.4183G>A, p.Val1395Ile (NM_001354232.2); c.4144G>A, p.Val1382Ile (NM_001354235.2, NM_001354246.2, NM_001354265.2); c.4045G>A, p.Val1349Ile (NM_001354236.2); and 31 more; short protein forms V1283I, V1296I, V1316I, V1317I, V1331I, V1366I, V1378I, V1395I.
Identifiers: ClinVar variation 1385728 (VCV001385728.8), dbSNP rs764532145, ClinGen allele CA3051001.